The following is an entry in ClinVar:

NM_000465.4(BARD1):c.1426del (p.Lys475_Val476insTer)

Gene: BARD1 (BRCA1 associated RING domain 1; minus strand). Cytogenetic location: 2q35.
Variant type: Deletion.
Coding change: c.1426del on transcript NM_000465.4 (MANE Select); coding-DNA position 1426, one base deleted (G; older notation c.1426delG).
Protein change: p.Lys475_Val476insTer.
Molecular consequence: nonsense. On other transcripts: non-coding transcript variant (3), intron variant (3).
Genome position (GRCh38, 1-based): chr2:214,767,624, C deleted on the plus strand (G on the coding strand, the reverse complement: BARD1 is on the minus strand); the first of 2 consecutive C bases (chr2:214,767,624-214,767,625); deleting either gives the same sequence. VCF-style (leftmost placement, unchanged base first): chr2-214767623-AC-A. GRCh37 (hg19) VCF-style: chr2-215632347-AC-A.
Other names: c.1426delG (NM_000465.2); c.1369del, p.Lys456_Val457insTer (NM_001282543.2); c.159-15069del (NM_001282548.2); c.216-15069del (NM_001282545.2); c.364+24673del (NM_001282549.2).
Identifiers: ClinVar variation 565705 (VCV000565705.10), dbSNP rs1559410146, ClinGen allele CA891842523.
Genomic context (GRCh38, chr2:214,767,623, plus strand): 5'-GAGTCATTTTGATACCCGGTGGTGTTCACCAATGCCTTATGCTGGAGCAATAATTCCACT[AC>A]CTTCAGGTGCCCATGATTGCAAGCTTCATGCTAATTAAATTTTTTGAAAAAGAAGTGAAA-3'

ClinVar aggregate classification (germline): Pathogenic. Review status: criteria provided, multiple submitters, no conflicts (2 of 4 stars). 3 submissions from 3 submitters: Pathogenic (3). Last evaluated 2025-04-28.

Conditions:
Hereditary cancer-predisposing syndrome. Also called: Hereditary neoplastic syndrome; Neoplastic Syndromes, Hereditary; Tumor predisposition; Hereditary Cancer Syndrome. Identifiers: Orphanet 140162, MedGen C0027672, MeSH D009386, MONDO:0015356.
Familial cancer of breast. Also called: hereditary breast carcinoma; Hereditary breast cancer; BREAST CANCER, FAMILIAL. Identifiers: Orphanet 227535, MedGen C0346153, MONDO:0016419, OMIM 114480. Disease mechanism: loss of function.

Submissions (3):

Ambry Genetics
Classification: Pathogenic for Hereditary cancer-predisposing syndrome. Last evaluated: 2025-04-28. Review status: criteria provided, single submitter. Criteria: Ambry Variant Classification Scheme 2023. Collection method: clinical testing. Allele origin: germline.
Comment: The c.1426delG pathogenic mutation, located in coding exon 6 of the BARD1 gene, results from a deletion of one nucleotide at nucleotide position 1426, causing a translational frameshift with a predicted alternate stop codon (p.V476*). This variant is considered to be rare based on population cohorts in the Genome Aggregation Database (gnomAD). This alteration is expected to result in loss of function by premature protein truncation or nonsense-mediated mRNA decay. As such, this alteration is interpreted as a disease-causing mutation.

Myriad Genetics, Inc.
Classification: Pathogenic for Familial cancer of breast. Last evaluated: 2023-05-23. Review status: criteria provided, single submitter. Criteria: Myriad Autosomal Dominant, Autosomal Recessive and X-Linked Classification Criteria (2023). Collection method: clinical testing. Allele origin: unknown.
Comment: This variant is considered pathogenic. This variant creates a termination codon and is predicted to result in premature protein truncation.

Labcorp Genetics (formerly Invitae), Labcorp
Classification: Pathogenic for Familial cancer of breast. Last evaluated: 2020-07-20. Review status: criteria provided, single submitter. Criteria: Invitae Variant Classification Sherloc (09022015). Collection method: clinical testing. Allele origin: germline.
Comment: Loss-of-function variants in BARD1 are known to be pathogenic (PMID: 20077502, 21344236). For these reasons, this variant has been classified as Pathogenic. This variant has not been reported in the literature in individuals with BARD1-related conditions. ClinVar contains an entry for this variant (Variation ID: 565705). This variant is not present in population databases (ExAC no frequency). This sequence change creates a premature translational stop signal (p.Val476*) in the BARD1 gene. It is expected to result in an absent or disrupted protein product.

Literature cited by the submitters: PubMed 20077502 (cited by Labcorp Genetics (formerly Invitae), Labcorp); PubMed 21344236 (cited by Labcorp Genetics (formerly Invitae), Labcorp).